The following is an entry in ClinVar:

ClinVar aggregate classification (germline): Uncertain significance (1 of 4 stars; one submission).

Submission:

Labcorp Genetics (formerly Invitae), Labcorp
Classification: Uncertain significance. Last evaluated: 2025-10-16. Review status: criteria provided, single submitter. Criteria: Invitae Variant Classification Sherloc (09022015). Collection method: clinical testing. Allele origin: germline.
Comment: This sequence change replaces proline, which is neutral and non-polar, with arginine, which is basic and polar, at codon 1319 of the TOP2B protein (p.Pro1319Arg). This variant is present in population databases (no rsID available, gnomAD 0.002%). This variant has not been reported in the literature in individuals affected with TOP2B-related conditions. ClinVar contains an entry for this variant (Variation ID: 1387248). An algorithm developed to predict the effect of missense changes on protein structure and function (PolyPhen-2) suggests that this variant is likely to be tolerated. In summary, the available evidence is currently insufficient to determine the role of this variant in disease. Therefore, it has been classified as a Variant of Uncertain Significance.

NM_001330700.2(TOP2B):c.3971_3972delinsGA (p.Pro1324Arg)

Gene: TOP2B (DNA topoisomerase II beta; minus strand). Cytogenetic location: 3p24.2.
Variant type: Indel.
Coding change: c.3971_3972delinsGA on transcript NM_001330700.2 (MANE Select); coding-DNA positions 3971 to 3972, CT replaced by GA.
Protein change: p.Pro1324Arg; replaces proline 1324 with arginine.
Molecular consequence: missense variant.
Genome position (GRCh38, 1-based): chr3:25,609,304-25,609,305, AG replaced by TC on the plus strand (CT replaced by GA on the coding strand, the reverse complement: TOP2B is on the minus strand). VCF-style: chr3-25609304-AG-TC. GRCh37 (hg19) VCF-style: chr3-25650795-AG-TC.
Other names: c.3956_3957delinsGA, p.Pro1319Arg (NM_001068.3); short protein forms P1324R, P1319R.
Identifiers: ClinVar variation 1387248 (VCV001387248.6), dbSNP rs2125351292, ClinGen allele CA2573136219.
Genomic context (GRCh38, chr3:25,609,304, plus strand): 5'-ACTTTCTGACTTGGATTCATCATCTGACCAAGGATTCCGTTTCTTCACTTTCTTTGCACT[AG>TC]GTTTACCAGATGATGTAGGTGTTTTTCTCACTCTGGTACCTAAAGCAAAAGAATAGCAAT-3'
Protein context (NP_001317629.1, residues 1314-1334): VRKTPTSSGK[Pro1324Arg]SAKKVKKRNP